The following is an entry in ClinVar:

NC_000011.10:g.110199605C>G

Gene: RDX (radixin; minus strand). Cytogenetic location: 11q22.3.
Variant type: single nucleotide variant.
Molecular consequence: 3 prime UTR variant (on NM_001260492.2).
Genome position: GRCh38 VCF-style: chr11-110199605-C-G. GRCh37 (hg19) VCF-style: chr11-110070330-C-G.
Other names: c.*7G>C (NM_001260492.2, NM_001260493.2, NM_001260495.2 and 5 more transcripts).
Identifiers: ClinVar variation 3030347 (VCV003030347.2), dbSNP rs1057232085, ClinGen allele CA1999699359.

ClinVar aggregate classification (germline): Likely benign (0 of 4 stars; one submission).

Conditions:
RDX-related disorder. Also called: RDX-related condition.

Submission:

PreventionGenetics, part of Exact Sciences
Classification: Likely benign for RDX-related condition. Last evaluated: 2020-12-14. Review status: no assertion criteria provided. Collection method: clinical testing. Allele origin: germline.
Comment: This variant is classified as likely benign based on ACMG/AMP sequence variant interpretation guidelines (Richards et al. 2015 PMID: 25741868, with internal and published modifications).